The following is an entry in ClinVar:

NM_016341.4(PLCE1):c.2685G>T (p.Lys895Asn)

Gene: PLCE1 (phospholipase C epsilon 1; plus strand). Cytogenetic location: 10q23.33.
Variant type: single nucleotide variant.
Coding change: c.2685G>T on transcript NM_016341.4 (MANE Select); coding-DNA position 2685, G replaced by T.
Protein change: p.Lys895Asn; replaces lysine 895 with asparagine.
Molecular consequence: missense variant.
Genome position (GRCh38, 1-based): chr10:94,246,210, G>T. VCF-style: chr10-94246210-G-T. GRCh37 (hg19) VCF-style: chr10-96005967-G-T.
Other names: c.1761G>T, p.Lys587Asn (NM_001165979.2); c.2685G>T, p.Lys895Asn (NM_001288989.2); c.2685G>T (NM_016341.3); short protein forms K587N, K895N.
Identifiers: ClinVar variation 2049979 (VCV002049979.3), dbSNP rs756631887, ClinGen allele CA5612702.

ClinVar aggregate classification (germline): Uncertain significance. Review status: criteria provided, multiple submitters, no conflicts (2 of 4 stars). 2 submissions from 2 submitters: Uncertain significance (2). Last evaluated 2023-12-20.

Conditions:
Inborn genetic diseases. Identifiers: MedGen C0950123, MeSH D030342.

Allele frequency attached by ClinVar (database versions not stated): ExAC 0.00002; gnomAD 0.00005; TOPMed 0.00006.
gnomAD v4.1: 53 of 1,613,992 alleles (0.0033%); highest among the groups gnomAD compares: Non-Finnish European, 0.0042%; no homozygotes.

Submissions (2):

Ambry Genetics
Classification: Uncertain significance for Inborn genetic diseases. Last evaluated: 2023-12-20. Review status: criteria provided, single submitter. Criteria: Ambry Variant Classification Scheme 2023. Collection method: clinical testing. Allele origin: germline.

Labcorp Genetics (formerly Invitae), Labcorp
Classification: Uncertain significance. Last evaluated: 2022-06-09. Review status: criteria provided, single submitter. Criteria: Invitae Variant Classification Sherloc (09022015). Collection method: clinical testing. Allele origin: germline.
Comment: In summary, the available evidence is currently insufficient to determine the role of this variant in disease. Therefore, it has been classified as a Variant of Uncertain Significance. Algorithms developed to predict the effect of missense changes on protein structure and function (SIFT, PolyPhen-2, Align-GVGD) all suggest that this variant is likely to be tolerated. This variant has not been reported in the literature in individuals affected with PLCE1-related conditions. This variant is present in population databases (rs756631887, gnomAD 0.003%). This sequence change replaces lysine, which is basic and polar, with asparagine, which is neutral and polar, at codon 895 of the PLCE1 protein (p.Lys895Asn).